The following is an entry in ClinVar:

ClinVar aggregate classification (germline): Uncertain significance (1 of 4 stars; one submission).

Conditions:
Hereditary cancer-predisposing syndrome. Also called: Hereditary Cancer Syndrome; Neoplastic Syndromes, Hereditary; Tumor predisposition; Hereditary neoplastic syndrome. Identifiers: Orphanet 140162, MedGen C0027672, MeSH D009386, MONDO:0015356.

gnomAD v4.1: 2 of 1,614,086 alleles (0.00012%); highest among the groups gnomAD compares: South Asian, 0.0022%; no homozygotes.

Submission:

Ambry Genetics
Classification: Uncertain significance for Hereditary cancer-predisposing syndrome. Last evaluated: 2022-05-27. Review status: criteria provided, single submitter. Criteria: Ambry Variant Classification Scheme 2023. Collection method: clinical testing. Allele origin: germline.
Comment: The p.P145A variant (also known as c.433C>G), located in coding exon 3 of the RAD51C gene, results from a C to G substitution at nucleotide position 433. The proline at codon 145 is replaced by alanine, an amino acid with highly similar properties. This amino acid position is highly conserved in available vertebrate species. In addition, the in silico prediction for this alteration is inconclusive. Since supporting evidence is limited at this time, the clinical significance of this alteration remains unclear.

NM_058216.3(RAD51C):c.433C>G (p.Pro145Ala)

Gene: RAD51C (RAD51 paralog C; plus strand). Cytogenetic location: 17q22.
Variant type: single nucleotide variant.
Coding change: c.433C>G on transcript NM_058216.3 (MANE Select); coding-DNA position 433, C replaced by G.
Protein change: p.Pro145Ala; replaces proline 145 with alanine.
Molecular consequence: missense variant.
Genome position (GRCh38, 1-based): chr17:58,696,721, C>G. VCF-style: chr17-58696721-C-G. GRCh37 (hg19) VCF-style: chr17-56774082-C-G.
Other names: c.433C>G (LRG_314t1); short protein forms P145A.
Identifiers: ClinVar variation 480504 (VCV000480504.5), dbSNP rs1555594594, ClinGen allele CA400344032.